The following is an entry in ClinVar:

NM_001172509.2(SATB2):c.1808_1817del (p.Pro603fs)

Genes: SATB2 (SATB homeobox 2; minus strand), LOC126806462 (MED14-independent group 3 enhancer GRCh37_chr2:200136608-200137807; plus strand). Cytogenetic location: 2q33.1.
Variant type: Deletion.
Coding change: c.1808_1817del on transcript NM_001172509.2 (MANE Select); coding-DNA positions 1808 to 1817, 10 bases deleted (CACCTCCTCC; older notation c.1808_1817delCACCTCCTCC).
Protein change: p.Pro603fs; shifts the reading frame from proline 603.
Molecular consequence: frameshift variant.
Genome position (GRCh38, 1-based): chr2:199,272,596-199,272,605, GGAGGAGGTG deleted on the plus strand (CACCTCCTCC on the coding strand, the reverse complement: SATB2 is on the minus strand); deleting any 10 consecutive bases within chr2:199,272,596-199,272,607 gives the same sequence; the c. name uses the placement nearest the transcript's 3' end. VCF-style (leftmost placement, unchanged base first): chr2-199272595-CGGAGGAGGTG-C. GRCh37 (hg19) VCF-style: chr2-200137318-CGGAGGAGGTG-C.
Other names: c.1808_1817del, p.Pro603fs (NM_001172517.1, NM_015265.4); c.1808_1817del10 (NM_015265.3); short protein forms P603fs.
Identifiers: ClinVar variation 930870 (VCV000930870.4), dbSNP rs1692192971, ClinGen allele CA1139657608.

ClinVar aggregate classification (germline): Pathogenic/Likely pathogenic. Review status: criteria provided, multiple submitters, no conflicts (2 of 4 stars). 2 submissions from 2 submitters: Pathogenic (1); Likely pathogenic (1). Last evaluated 2023-11-03.

Conditions:
Inborn genetic diseases. Identifiers: MedGen C0950123, MeSH D030342.
Chromosome 2q32-q33 deletion syndrome (GLASS). Also called: 2q33.1 deletion syndrome; Glass syndrome. Identifiers: Orphanet 251019, MedGen C2676739, MONDO:0012864, OMIM 612313.

Submissions (2):

Ambry Genetics
Classification: Pathogenic for Inborn genetic diseases. Last evaluated: 2023-11-03. Review status: criteria provided, single submitter. Criteria: Ambry Variant Classification Scheme 2023. Collection method: clinical testing. Allele origin: germline.
Comment: The c.1808_1817del10 (p.P603Rfs*18) alteration, located in exon 12 (coding exon 10) of the SATB2 gene, consists of a deletion of 10 nucleotides from position 1808 to 1817, causing a translational frameshift with a predicted alternate stop codon after 18 amino acids. This alteration occurs at the 3' terminus of the SATB2 gene, is not expected to trigger nonsense-mediated mRNA decay, and only impacts the last 15% of the protein. However, premature stop codons are typically deleterious in nature, the impacted region is critical for protein function, and a significant portion of the protein is affected (Ambry internal data). This variant was not reported in population-based cohorts in the Genome Aggregation Database (gnomAD). Based on the available evidence, this alteration is classified as pathogenic.

Centre for Mendelian Genomics, University Medical Centre Ljubljana
Classification: Likely pathogenic for Chromosome 2q32-q33 deletion syndrome. Last evaluated: 2020-01-29. Review status: criteria provided, single submitter. Criteria: ACMG Guidelines, 2015. Collection method: clinical testing. Allele origin: unknown. Affected: yes.
Comment: This variant was classified as: Likely pathogenic. The following ACMG criteria were applied in classifying this variant: PVS1,PM2.